The following is an entry in ClinVar:

ClinVar aggregate classification (germline): Uncertain significance. Review status: criteria provided, multiple submitters, no conflicts (2 of 4 stars). 2 submissions from 2 submitters: Uncertain significance (2). Last evaluated 2025-08-01.

Conditions:
Hereditary spastic paraplegia 11. Also called: Spastic Paraplegia 11; Nakamura Osame syndrome; Autosomal recessive hereditary spastic paraplegia, mental impairment, and thin corpus callosum; SPASTIC PARAPLEGIA, AUTOSOMAL RECESSIVE, COMPLICATED, WITH THIN CORPUS CALLOSUM; SPASTIC PARAPLEGIA, AUTOSOMAL RECESSIVE, WITH MENTAL IMPAIRMENT AND THIN CORPUS CALLOSUM; Spastic paraplegia, mental retardation and thin corpus callosum. Identifiers: Orphanet 2822, MedGen C1858479, MONDO:0011445, OMIM 604360.
Inborn genetic diseases. Identifiers: MedGen C0950123, MeSH D030342.

Allele frequency attached by ClinVar (database versions not stated): gnomAD 0.00001.
gnomAD v4.1: 1 of 1,613,264 alleles (0.000062%); highest among the groups gnomAD compares: Admixed American, 0.0017%; no homozygotes.

Submissions (2):

Ambry Genetics
Classification: Uncertain significance for Inborn genetic diseases. Last evaluated: 2025-08-01. Review status: criteria provided, single submitter. Criteria: Ambry Variant Classification Scheme 2023. Collection method: clinical testing. Allele origin: germline.

Labcorp Genetics (formerly Invitae), Labcorp
Classification: Uncertain significance for Hereditary spastic paraplegia 11. Last evaluated: 2021-09-05. Review status: criteria provided, single submitter. Criteria: Invitae Variant Classification Sherloc (09022015). Collection method: clinical testing. Allele origin: germline.
Comment: Algorithms developed to predict the effect of missense changes on protein structure and function are either unavailable or do not agree on the potential impact of this missense change (SIFT: "Deleterious"; PolyPhen-2: "Benign"; Align-GVGD: "Class C0"). This variant has not been reported in the literature in individuals affected with SPG11-related conditions. This variant is not present in population databases (ExAC no frequency). This sequence change replaces serine with threonine at codon 1768 of the SPG11 protein (p.Ser1768Thr). The serine residue is highly conserved and there is a small physicochemical difference between serine and threonine. In summary, the available evidence is currently insufficient to determine the role of this variant in disease. Therefore, it has been classified as a Variant of Uncertain Significance.

NM_025137.4(SPG11):c.5303G>C (p.Ser1768Thr)

Gene: SPG11 (SPG11 vesicle trafficking associated, spatacsin; minus strand). Cytogenetic location: 15q21.1.
Variant type: single nucleotide variant.
Coding change: c.5303G>C on transcript NM_025137.4 (MANE Select); coding-DNA position 5303, G replaced by C.
Protein change: p.Ser1768Thr; replaces serine 1768 with threonine.
Molecular consequence: missense variant.
Genome position (GRCh38, 1-based): chr15:44,584,377, C>G on the plus strand (G>C on the coding strand, the complement: SPG11 is on the minus strand). VCF-style: chr15-44584377-C-G. GRCh37 (hg19) VCF-style: chr15-44876575-C-G.
Other names: c.5303G>C, p.Ser1768Thr (NM_001160227.2); short protein forms S1768T.
Identifiers: ClinVar variation 1461148 (VCV001461148.9), dbSNP rs1006117026, ClinGen allele CA392222841.